The following is an entry in ClinVar:

ClinVar aggregate classification (germline): Pathogenic (1 of 4 stars; one submission).

Conditions:
Marfan syndrome (MFS). Also called: MARFAN SYNDROME, TYPE I; Marfan syndrome type 1; Marfan's syndrome; Marfan syndrome, classic; FBN1-Related Marfan Syndrome. Identifiers: Orphanet 284963, Orphanet 558, MedGen C0024796, MONDO:0007947, OMIM 154700.
Familial thoracic aortic aneurysm and aortic dissection (TAAD). Also called: Thoracic aortic aneurysms and dissections. Identifiers: Orphanet 91387, MedGen C4707243, MONDO:0019625.

Submission:

Labcorp Genetics (formerly Invitae), Labcorp
Classification: Pathogenic for Marfan syndrome; Familial thoracic aortic aneurysm and aortic dissection. Last evaluated: 2024-08-15. Review status: criteria provided, single submitter. Criteria: Invitae Variant Classification Sherloc (09022015). Collection method: clinical testing. Allele origin: germline.
Comment: This sequence change creates a premature translational stop signal (p.Gln1376*) in the FBN1 gene. It is expected to result in an absent or disrupted protein product. Loss-of-function variants in FBN1 are known to be pathogenic (PMID: 17657824, 19293843). This variant is not present in population databases (gnomAD no frequency). This premature translational stop signal has been observed in individual(s) with FBN1-related conditions (PMID: 19293843). For these reasons, this variant has been classified as Pathogenic.

Literature cited by the submitters: PubMed 17657824; PubMed 19293843.

NM_000138.5(FBN1):c.4126C>T (p.Gln1376Ter)

Gene: FBN1 (fibrillin 1; minus strand). Cytogenetic location: 15q21.1.
Variant type: single nucleotide variant.
Coding change: c.4126C>T on transcript NM_000138.5 (MANE Select); coding-DNA position 4126, C replaced by T.
Protein change: p.Gln1376Ter; replaces glutamine 1376 with a stop codon.
Molecular consequence: nonsense.
Genome position (GRCh38, 1-based): chr15:48,474,339, G>A on the plus strand (C>T on the coding strand, the complement: FBN1 is on the minus strand). VCF-style: chr15-48474339-G-A. GRCh37 (hg19) VCF-style: chr15-48766536-G-A.
Other names: c.4126C>T, p.Gln1376Ter (NM_001406716.1); short protein forms Q1376*.
Identifiers: ClinVar variation 3759286 (VCV003759286.2).